The following is an entry in ClinVar:

NM_001130438.3(SPTAN1):c.187A>G (p.Lys63Glu)

Gene: SPTAN1 (spectrin alpha, non-erythrocytic 1; plus strand). Cytogenetic location: 9q34.11.
Variant type: single nucleotide variant.
Coding change: c.187A>G on transcript NM_001130438.3 (MANE Select); coding-DNA position 187, A replaced by G.
Protein change: p.Lys63Glu; replaces lysine 63 with glutamic acid.
Molecular consequence: missense variant.
Genome position (GRCh38, 1-based): chr9:128,566,927, A>G. VCF-style: chr9-128566927-A-G. GRCh37 (hg19) VCF-style: chr9-131329206-A-G.
Other names: c.187A>G, p.Lys63Glu (NM_001195532.2, NM_001363759.2, NM_001363765.2 and 5 more transcripts); c.223A>G, p.Lys75Glu (NM_001375312.2, NM_001375318.1); short protein forms K63E, K75E.
Identifiers: ClinVar variation 3731208 (VCV003731208.1).
Genomic context (GRCh38, chr9:128,566,927, plus strand): 5'-TCCTATCGATTCCAGTTCTTTCAAAGAGATGCTGAAGAGCTGGAGAAATGGATACAGGAA[A>G]AACTTCAGATTGCATCTGATGAGAATTATAAAGACCCAACCAACTTGCAGGTACGTCTGA-3'
Protein context (NP_001123910.1, residues 53-73): AEELEKWIQE[Lys63Glu]LQIASDENYK

ClinVar aggregate classification (germline): Uncertain significance (1 of 4 stars; one submission).

Submission:

GeneDx
Classification: Uncertain significance. Last evaluated: 2024-08-16. Review status: criteria provided, single submitter. Criteria: GeneDx Variant Classification Process June 2021. Collection method: clinical testing. Allele origin: germline. Affected: yes.
Comment: Not observed at significant frequency in large population cohorts (gnomAD); In silico analysis supports that this missense variant has a deleterious effect on protein structure/function; Has not been previously published as pathogenic or benign to our knowledge